The following is an entry in ClinVar:

ClinVar aggregate classification (germline): Uncertain significance (1 of 4 stars; one submission).

Conditions:
Pitt-Hopkins-like syndrome 2 (PTHSL2). Identifiers: Orphanet 221150, Orphanet 600663, MedGen C3280479, MONDO:0013690, OMIM 614325.

Allele frequency attached by ClinVar (database versions not stated): gnomAD exomes below 0.00001; ExAC 0.00001.
gnomAD v4.1: 1 of 1,613,742 alleles (0.000062%); highest among the groups gnomAD compares: Non-Finnish European, 0.000085%; no homozygotes.

Submission:

Labcorp Genetics (formerly Invitae), Labcorp
Classification: Uncertain significance for Pitt-Hopkins-like syndrome 2. Last evaluated: 2022-12-16. Review status: criteria provided, single submitter. Criteria: Invitae Variant Classification Sherloc (09022015). Collection method: clinical testing. Allele origin: germline.
Comment: In summary, the available evidence is currently insufficient to determine the role of this variant in disease. Therefore, it has been classified as a Variant of Uncertain Significance. Algorithms developed to predict the effect of missense changes on protein structure and function (SIFT, PolyPhen-2, Align-GVGD) all suggest that this variant is likely to be tolerated. This variant has not been reported in the literature in individuals affected with NRXN1-related conditions. This variant is not present in population databases (gnomAD no frequency). This sequence change replaces methionine, which is neutral and non-polar, with valine, which is neutral and non-polar, at codon 503 of the NRXN1 protein (p.Met503Val).

NM_001330078.2(NRXN1):c.1387A>G (p.Met463Val)

Gene: NRXN1 (neurexin 1; minus strand). Cytogenetic location: 2p16.3.
Variant type: single nucleotide variant.
Coding change: c.1387A>G on transcript NM_001330078.2 (MANE Select); coding-DNA position 1387, A replaced by G.
Protein change: p.Met463Val; replaces methionine 463 with valine.
Molecular consequence: missense variant.
Genome position (GRCh38, 1-based): chr2:50,552,959, T>C on the plus strand (A>G on the coding strand, the complement: NRXN1 is on the minus strand). VCF-style: chr2-50552959-T-C. GRCh37 (hg19) VCF-style: chr2-50780097-T-C.
Other names: c.1507A>G, p.Met503Val (NM_001135659.3); c.1363A>G, p.Met455Val (NM_001330077.2, NM_001330082.2, NM_001330095.2); c.1348A>G, p.Met450Val (NM_001330083.2, NM_001330084.2); c.1387A>G, p.Met463Val (NM_001330085.2, NM_001330086.2, NM_004801.6); c.1303A>G, p.Met435Val (NM_001330087.2, NM_001330096.2); c.1333A>G, p.Met445Val (NM_001330088.2); c.1384A>G, p.Met462Val (NM_001330093.2); c.1375A>G, p.Met459Val (NM_001330094.2); short protein forms M445V, M462V, M435V, M450V, M455V, M459V, M463V, M503V.
Identifiers: ClinVar variation 2788649 (VCV002788649.3), dbSNP rs769027190, ClinGen allele CA1655043.
Genomic context (GRCh38, chr2:50,552,959, plus strand): 5'-TGATTGGGTCTAAAGTTGCAACATTCTCACATTTAAATGCCACCACTCCATGGATCTTCA[T>C]CTTAGGATCTCCTTGCTTGGCAAGTCGAGATAATTCCAGCCTCACATCATTATTTTTATA-3'
Protein context (NP_001317007.1, residues 453-473): SRLAKQGDPK[Met463Val]KIHGVVAFKC